The following is an entry in ClinVar:

ClinVar aggregate classification (germline): Uncertain significance (1 of 4 stars; one submission).

gnomAD v4.1: 1 of 1,614,150 alleles (0.000062%); highest among the groups gnomAD compares: Non-Finnish European, 0.000085%; no homozygotes.

Submission:

Mayo Clinic Laboratories, Mayo Clinic
Classification: Uncertain significance. Last evaluated: 2024-09-13. Review status: criteria provided, single submitter. Criteria: ACMG Guidelines, 2015. Collection method: clinical testing. Allele origin: germline. Observed: 1 variant allele.
Comment: PP3, PM2

NM_006949.4(STXBP2):c.687G>C (p.Gln229His)

Gene: STXBP2 (syntaxin binding protein 2; plus strand). Cytogenetic location: 19p13.2.
Variant type: single nucleotide variant.
Coding change: c.687G>C on transcript NM_006949.4 (MANE Select); coding-DNA position 687, G replaced by C.
Protein change: p.Gln229His; replaces glutamine 229 with histidine.
Molecular consequence: missense variant. On other transcripts: non-coding transcript variant (1).
Genome position (GRCh38, 1-based): chr19:7,642,226, G>C. VCF-style: chr19-7642226-G-C. GRCh37 (hg19) VCF-style: chr19-7707112-G-C.
Other names: p.Gln229His; c.678G>C, p.Gln226His (NM_001127396.3); c.720G>C, p.Gln240His (NM_001272034.2); c.591G>C, p.Gln197His (NM_001414484.1); short protein forms Q197H, Q226H, Q229H, Q240H.
Identifiers: ClinVar variation 3380569 (VCV003380569.1).